The following is an entry in ClinVar:

ClinVar aggregate classification (germline): Uncertain significance (1 of 4 stars; one submission).

Allele frequency attached by ClinVar (database versions not stated): ExAC 0.00001; gnomAD 0.00001; gnomAD exomes 0.00001 and 0.00002; ESP Exome Variant Server 0.00008; 1000 Genomes Project 30x 0.00016; 1000 Genomes Project 0.00020.
gnomAD v4.1: 24 of 1,611,720 alleles (0.0015%); highest among the groups gnomAD compares: East Asian, 0.0022%; no homozygotes.

Submission:

Labcorp Genetics (formerly Invitae), Labcorp
Classification: Uncertain significance. Last evaluated: 2021-11-30. Review status: criteria provided, single submitter. Criteria: Invitae Variant Classification Sherloc (09022015). Collection method: clinical testing. Allele origin: germline.
Comment: This sequence change replaces alanine, which is neutral and non-polar, with valine, which is neutral and non-polar, at codon 1266 of the MCM3AP protein (p.Ala1266Val). The frequency data for this variant in the population databases is considered unreliable, as metrics indicate poor data quality at this position in the gnomAD database. This variant has not been reported in the literature in individuals affected with MCM3AP-related conditions. Algorithms developed to predict the effect of missense changes on protein structure and function (SIFT, PolyPhen-2, Align-GVGD) all suggest that this variant is likely to be disruptive. In summary, the available evidence is currently insufficient to determine the role of this variant in disease. Therefore, it has been classified as a Variant of Uncertain Significance.

NM_003906.5(MCM3AP):c.3797C>T (p.Ala1266Val)

Gene: MCM3AP (minichromosome maintenance complex component 3 associated protein; minus strand). Cytogenetic location: 21q22.3.
Variant type: single nucleotide variant.
Coding change: c.3797C>T on transcript NM_003906.5 (MANE Select); coding-DNA position 3797, C replaced by T.
Protein change: p.Ala1266Val; replaces alanine 1266 with valine.
Molecular consequence: missense variant.
Genome position (GRCh38, 1-based): chr21:46,256,924, G>A on the plus strand (C>T on the coding strand, the complement: MCM3AP is on the minus strand). VCF-style: chr21-46256924-G-A. GRCh37 (hg19) VCF-style: chr21-47676838-G-A.
Other names: short protein forms A1266V.
Identifiers: ClinVar variation 1473009 (VCV001473009.3), dbSNP rs370439179, ClinGen allele CA10076368.